The following is an entry in ClinVar:

NM_000059.4(BRCA2):c.2812G>A (p.Ala938Thr)

Gene: BRCA2 (BRCA2 DNA repair associated; plus strand). Cytogenetic location: 13q13.1.
Variant type: single nucleotide variant.
Coding change: c.2812G>A on transcript NM_000059.4 (MANE Select); coding-DNA position 2812, G replaced by A.
Protein change: p.Ala938Thr; replaces alanine 938 with threonine.
Molecular consequence: missense variant.
Genome position (GRCh38, 1-based): chr13:32,337,167, G>A. VCF-style: chr13-32337167-G-A. GRCh37 (hg19) VCF-style: chr13-32911304-G-A.
Other names: short protein forms A938T.
Identifiers: ClinVar variation 481508 (VCV000481508.21), dbSNP rs768556548, ClinGen allele CA6940631.

ClinVar aggregate classification (germline): Conflicting classifications of pathogenicity. Review status: criteria provided, conflicting classifications (1 of 4 stars). 5 submissions from 5 submitters: Uncertain significance (3); Likely benign (2). Last evaluated 2025-05-27.

Conditions:
Hereditary cancer-predisposing syndrome. Also called: Hereditary neoplastic syndrome; Neoplastic Syndromes, Hereditary; Tumor predisposition; Hereditary Cancer Syndrome. Identifiers: Orphanet 140162, MedGen C0027672, MeSH D009386, MONDO:0015356.
Hereditary breast ovarian cancer syndrome. Also called: Hereditary breast and ovarian cancer syndrome (HBOC); Breast and ovarian cancer; Hereditary breast and ovarian cancer syndrome; Hereditary breast and ovarian cancer; Hereditary breast and/or ovarian cancer syndrome; BRCA1- and BRCA2-Associated Hereditary Breast and Ovarian Cancer. Identifiers: Orphanet 145, MedGen C0677776, MeSH D061325, MONDO:0003582. Disease mechanism: loss of function.
Breast-ovarian cancer, familial, susceptibility to, 2 (BROVCA2). Also called: BRCA2 Hereditary Breast and Ovarian Cancer. Identifiers: Orphanet 145, MedGen C2675520, MONDO:0012933, OMIM 612555. Disease mechanism: loss of function.

Allele frequency attached by ClinVar (database versions not stated): gnomAD exomes below 0.00001; ExAC 0.00001.
gnomAD v4.1: 1 of 1,613,798 alleles (0.000062%); no homozygotes.

Submissions (5):

Ambry Genetics
Classification: Likely benign for Hereditary cancer-predisposing syndrome. Last evaluated: 2025-05-27. Review status: criteria provided, single submitter. Criteria: Ambry Variant Classification Scheme 2023. Collection method: clinical testing. Allele origin: germline.

KCCC/NGS Laboratory, Kuwait Cancer Control Center
Classification: Uncertain significance for Breast-ovarian cancer, familial, susceptibility to, 2. Last evaluated: 2025-03-09. Review status: criteria provided, single submitter. Criteria: ACMG Guidelines, 2015. Collection method: clinical testing. Allele origin: germline. Inheritance: Autosomal dominant inheritance. Affected: yes. Observed: 1 heterozygote.
Comment: This sequence change replaces alanine, which is neutral and non-polar, with threonine, which is neutral and polar, at codon 938 of the BRCA2 protein (p.Ala938Thr). This variant has not been reported in the literature in individuals affected with BRCA2-related conditions. This variant is present in population databases (rs768556548, gnomAD 0.0009%). ClinVar contains an entry for this variant (Variation ID: 481508). In silico analysis supports that this missense variant does not alter protein structure/function. In summary, the available evidence is currently insufficient to determine the role of this variant in disease. Therefore, it has been classified as a Variant of Uncertain Significance.

Labcorp Genetics (formerly Invitae), Labcorp
Classification: Uncertain significance for Hereditary breast ovarian cancer syndrome. Last evaluated: 2025-02-09. Review status: criteria provided, single submitter. Criteria: Invitae Variant Classification Sherloc (09022015). Collection method: clinical testing. Allele origin: germline.
Comment: This sequence change replaces alanine, which is neutral and non-polar, with threonine, which is neutral and polar, at codon 938 of the BRCA2 protein (p.Ala938Thr). This variant is present in population databases (rs768556548, gnomAD 0.0009%). This variant has not been reported in the literature in individuals affected with BRCA2-related conditions. ClinVar contains an entry for this variant (Variation ID: 481508). Invitae Evidence Modeling of protein sequence and biophysical properties (such as structural, functional, and spatial information, amino acid conservation, physicochemical variation, residue mobility, and thermodynamic stability) indicates that this missense variant is not expected to disrupt BRCA2 protein function with a negative predictive value of 95%. In summary, the available evidence is currently insufficient to determine the role of this variant in disease. Therefore, it has been classified as a Variant of Uncertain Significance.

University of Washington Department of Laboratory Medicine, University of Washington
Classification: Likely benign for Hereditary cancer-predisposing syndrome. Last evaluated: 2023-03-23. Review status: criteria provided, single submitter. Criteria: Dines et al. (Genet Med. 2020). Collection method: curation. Allele origin: germline.
Comment: Missense variant in a coldspot region where missense variants are very unlikely to be pathogenic (PMID:31911673).

BRCA2 exon 11 coldspot. Reclassification based on statistical prior probability.

GeneDx
Classification: Uncertain significance. Last evaluated: 2022-05-24. Review status: criteria provided, single submitter. Criteria: GeneDx Variant Classification Process June 2021. Collection method: clinical testing. Allele origin: germline. Affected: yes.
Comment: Not observed at significant frequency in large population cohorts (gnomAD); In silico analysis supports that this missense variant does not alter protein structure/function; Has not been previously published as pathogenic or benign to our knowledge; Also known as 3040G>A